The following is an entry in ClinVar:

NM_000138.5(FBN1):c.8057G>A (p.Cys2686Tyr)

Gene: FBN1 (fibrillin 1; minus strand). Cytogenetic location: 15q21.1.
Variant type: single nucleotide variant.
Coding change: c.8057G>A on transcript NM_000138.5 (MANE Select); coding-DNA position 8057, G replaced by A.
Protein change: p.Cys2686Tyr; replaces cysteine 2686 with tyrosine.
Molecular consequence: missense variant.
Genome position (GRCh38, 1-based): chr15:48,412,738, C>T on the plus strand (G>A on the coding strand, the complement: FBN1 is on the minus strand). VCF-style: chr15-48412738-C-T. GRCh37 (hg19) VCF-style: chr15-48704935-C-T.
Other names: c.8057G>A, p.Cys2686Tyr (NM_001406716.1); short protein forms C2686Y.
Identifiers: ClinVar variation 2123169 (VCV002123169.4), dbSNP rs2141211820, ClinGen allele CA392321652.

ClinVar aggregate classification (germline): Likely pathogenic (1 of 4 stars; one submission).

Conditions:
Familial thoracic aortic aneurysm and aortic dissection (TAAD). Also called: Thoracic aortic aneurysms and dissections. Identifiers: Orphanet 91387, MedGen C4707243, MONDO:0019625.
Marfan syndrome (MFS). Also called: MARFAN SYNDROME, TYPE I; Marfan syndrome type 1; Marfan's syndrome; Marfan syndrome, classic; FBN1-Related Marfan Syndrome. Identifiers: Orphanet 284963, Orphanet 558, MedGen C0024796, MONDO:0007947, OMIM 154700.

Submission:

Labcorp Genetics (formerly Invitae), Labcorp
Classification: Likely pathogenic for Marfan syndrome; Familial thoracic aortic aneurysm and aortic dissection. Last evaluated: 2022-04-08. Review status: criteria provided, single submitter. Criteria: Invitae Variant Classification Sherloc (09022015). Collection method: clinical testing. Allele origin: germline.
Comment: In summary, the currently available evidence indicates that the variant is pathogenic, but additional data are needed to prove that conclusively. Therefore, this variant has been classified as Likely Pathogenic. This variant disrupts the p.Cys2686 amino acid residue in FBN1. Other variant(s) that disrupt this residue have been observed in individuals with FBN1-related conditions (PMID: 10464652, 19161152), which suggests that this may be a clinically significant amino acid residue. This variant affects a cysteine residue in the EGF-like, TGFBP or hybrid motif domains of FBN1. Cysteine residues are believed to be involved in intramolecular disulfide bridges and have been shown to be important for FBN1 protein structure (PMID: 16905551, 19349279). In addition, missense substitutions affecting cysteine residues within these domains are significantly overrepresented among patients with Marfan syndrome (PMID: 16571647, 17701892). Advanced modeling of protein sequence and biophysical properties (such as structural, functional, and spatial information, amino acid conservation, physicochemical variation, residue mobility, and thermodynamic stability) performed at Invitae indicates that this missense variant is expected to disrupt FBN1 protein function. This variant has not been reported in the literature in individuals affected with FBN1-related conditions. This variant is not present in population databases (gnomAD no frequency). This sequence change replaces cysteine, which is neutral and slightly polar, with tyrosine, which is neutral and polar, at codon 2686 of the FBN1 protein (p.Cys2686Tyr).

Literature cited by the submitters: PubMed 10464652; PubMed 19161152; PubMed 16905551; PubMed 19349279; PubMed 16571647; PubMed 17701892.